The following is an entry in ClinVar:

NM_007294.4(BRCA1):c.2423T>C (p.Phe808Ser)

Gene: BRCA1 (BRCA1 DNA repair associated; minus strand). Cytogenetic location: 17q21.31.
Variant type: single nucleotide variant.
Coding change: c.2423T>C on transcript NM_007294.4 (MANE Select); coding-DNA position 2423, T replaced by C.
Protein change: p.Phe808Ser; replaces phenylalanine 808 with serine.
Molecular consequence: missense variant. On other transcripts: intron variant (137).
Genome position (GRCh38, 1-based): chr17:43,093,108, A>G on the plus strand (T>C on the coding strand, the complement: BRCA1 is on the minus strand). VCF-style: chr17-43093108-A-G. GRCh37 (hg19) VCF-style: chr17-41245125-A-G.
Other names: 2542T>C; c.2423T>C, p.Phe808Ser (NM_001407596.1, NM_001407597.1, NM_001407598.1 and 30 more transcripts); c.2420T>C, p.Phe807Ser (NM_001407610.1, NM_001407611.1, NM_001407612.1 and 22 more transcripts); c.2345T>C, p.Phe782Ser (NM_001407653.1, NM_001407654.1, NM_001407655.1 and 4 more transcripts); c.2342T>C, p.Phe781Ser (NM_001407659.1, NM_001407660.1, NM_001407661.1 and 1 more transcripts); c.2297T>C, p.Phe766Ser (NM_001407672.1, NM_001407673.1, NM_001407691.1 and 11 more transcripts); c.2300T>C, p.Phe767Ser (NM_001407674.1, NM_001407675.1, NM_001407676.1 and 19 more transcripts); c.2282T>C, p.Phe761Ser (NM_001407692.1, NM_001407694.1, NM_001407695.1 and 29 more transcripts); and 42 more; short protein forms F808S, F761S, F681S, F719S, F738S, F740S, F767S, F805S.
Identifiers: ClinVar variation 91589 (VCV000091589.10), dbSNP rs398122660, ClinGen allele CA001616.
Genomic context (GRCh38, chr17:43,093,108, plus strand): 5'-CCTTCTGTGTCATTTCTATTATCTTTGGAACAACCATGAATTAGTCCCTTGGGGTTTTCA[A>G]ATGCTGCACACTGACTCACACATTTATTTGGTTCTGTTTTTGCCTTCCCTAGAGTGCTAA-3'
Protein context (NP_009225.1, residues 798-818): PNKCVSQCAA[Phe808Ser]ENPKGLIHGC

ClinVar aggregate classification (germline): Conflicting classifications of pathogenicity. Review status: criteria provided, conflicting classifications (1 of 4 stars). 5 submissions from 5 submitters: Uncertain significance (1); Likely benign (3). 1 of the submissions does not count toward it. Last evaluated 2024-07-01.

Conditions:
Hereditary cancer-predisposing syndrome. Also called: Hereditary Cancer Syndrome; Hereditary neoplastic syndrome; Neoplastic Syndromes, Hereditary; Tumor predisposition. Identifiers: Orphanet 140162, MedGen C0027672, MeSH D009386, MONDO:0015356.
Breast-ovarian cancer, familial, susceptibility to, 1 (BROVCA1). Also called: BRCA1 Hereditary Breast and Ovarian Cancer; OVARIAN CANCER, SUSCEPTIBILITY TO. Identifiers: Orphanet 145, MedGen C2676676, MONDO:0011450, OMIM 604370. Disease mechanism: loss of function.

Submissions (5):

Blueprint Genetics
Classification: Likely benign. Last evaluated: 2024-07-01. Review status: criteria provided, single submitter. Criteria: ACMG Guidelines, 2015. Collection method: clinical testing. Allele origin: germline.

Ambry Genetics
Classification: Likely benign for Hereditary cancer-predisposing syndrome. Last evaluated: 2024-04-18. Review status: criteria provided, single submitter. Criteria: Ambry Variant Classification Scheme 2023. Collection method: clinical testing. Allele origin: germline.

University of Washington Department of Laboratory Medicine, University of Washington
Classification: Likely benign for Hereditary cancer-predisposing syndrome. Last evaluated: 2023-03-23. Review status: criteria provided, single submitter. Criteria: Dines et al. (Genet Med. 2020). Collection method: curation. Allele origin: germline.
Comment: Missense variant in a coldspot region where missense variants are very unlikely to be pathogenic (PMID:31911673).

BRCA1 coldspot (exon 11 using historical exon numbering). Reclassification based on statistical prior probability

GeneDx
Classification: Uncertain significance. Last evaluated: 2015-12-11. Review status: criteria provided, single submitter. Criteria: GeneDx Variant Classification (06012015). Collection method: clinical testing. Allele origin: germline. Affected: yes.
Comment: This variant is denoted BRCA1 c.2423T>C at the cDNA level, p.Phe808Ser (F808S) at the protein level, and results in the change of a Phenylalanine to a Serine (TTT>TCT). Using alternate nomenclature, this variant would be defined as BRCA1 2542T>C. This variant has not, to our knowledge, been published in the literature as pathogenic or benign. BRCA1 Phe808Ser was not observed in approximately 6,500 individuals of European and African American ancestry in the NHLBI Exome Sequencing Project, suggesting it is not a common benign variant in these populations. Since Phenylalanine and Serine differ in polarity, charge, size or other properties, this is considered a non-conservative amino acid substitution. BRCA1 Phe808Ser occurs at a position that is not conserved and is located in the DNA binding domain and in a region reported to interact with BASC and RAD51 (Narod 2004, Paul 2014). In silico analyses predict that this variant is unlikely to alter protein structure or function. Based on currently available evidence, it is unclear whether BRCA1 Phe808Ser is a pathogenic or benign variant. We consider it to be a variant of uncertain significance.

Sharing Clinical Reports Project (SCRP)
Classification: Uncertain significance for Breast-ovarian cancer, familial 1. Last evaluated: 2011-02-04. Review status: no assertion criteria provided. Collection method: clinical testing. Allele origin: germline. Not counted in ClinVar's aggregate classification.